The following is an entry in ClinVar:

ClinVar aggregate classification (germline): Uncertain significance (1 of 4 stars; one submission).

Conditions:
Immunodeficiency 14 (IMD14A). Also called: IMMUNODEFICIENCY 14A WITH LYMPHOPROLIFERATION, AUTOSOMAL DOMINANT; p110-DELTA-ACTIVATING MUTATION CAUSING SENESCENT T CELLS, LYMPHADENOPATHY, AND IMMUNODEFICIENCY; ACTIVATED PI3K-DELTA SYNDROME 1; Activated PI3K Delta Syndrome Type 1 (APDS1). Identifiers: Orphanet 397596, Orphanet 693661, MedGen C5907821, MONDO:0014222, OMIM 615513.

gnomAD v4.1: 12 of 1,613,638 alleles (0.00074%); highest among the groups gnomAD compares: South Asian, 0.0055%; no homozygotes.

Submission:

Labcorp Genetics (formerly Invitae), Labcorp
Classification: Uncertain significance for Activated PI3K-delta syndrome. Last evaluated: 2024-11-17. Review status: criteria provided, single submitter. Criteria: Invitae Variant Classification Sherloc (09022015). Collection method: clinical testing. Allele origin: germline.
Comment: This sequence change replaces arginine, which is basic and polar, with cysteine, which is neutral and slightly polar, at codon 100 of the PIK3CD protein (p.Arg100Cys). This variant is not present in population databases (gnomAD no frequency). This variant has not been reported in the literature in individuals affected with PIK3CD-related conditions. An algorithm developed to predict the effect of missense changes on protein structure and function (PolyPhen-2) suggests that this variant is likely to be disruptive. In summary, the available evidence is currently insufficient to determine the role of this variant in disease. Therefore, it has been classified as a Variant of Uncertain Significance.

NM_005026.5(PIK3CD):c.298C>T (p.Arg100Cys)

Gene: PIK3CD (phosphatidylinositol-4,5-bisphosphate 3-kinase catalytic subunit delta; plus strand). Cytogenetic location: 1p36.22.
Variant type: single nucleotide variant.
Coding change: c.298C>T on transcript NM_005026.5 (MANE Select); coding-DNA position 298, C replaced by T.
Protein change: p.Arg100Cys; replaces arginine 100 with cysteine.
Molecular consequence: missense variant.
Genome position (GRCh38, 1-based): chr1:9,715,697, C>T. VCF-style: chr1-9715697-C-T. GRCh37 (hg19) VCF-style: chr1-9775755-C-T.
Other names: c.298C>T, p.Arg100Cys (NM_001350234.2, NM_001350235.1); short protein forms R100C.
Identifiers: ClinVar variation 3704309 (VCV003704309.2).
Genomic context (GRCh38, chr1:9,715,697, plus strand): 5'-CAAGAGCTGGAGGACGAGCAACGGCGTCTGTGTGACGTGCAGCCCTTCCTGCCCGTCCTG[C>T]GCCTGGTGGCCCGTGAGGGCGACCGCGTGAAGAAGCTCATCAACTCACAGATCAGCCTCC-3'
Protein context (NP_005017.3, residues 90-110): CDVQPFLPVL[Arg100Cys]LVAREGDRVK